The following is an entry in ClinVar:

NM_052947.4(ALPK2):c.3340G>A (p.Val1114Met)

Gene: ALPK2 (alpha kinase 2; minus strand). Cytogenetic location: 18q21.31.
Variant type: single nucleotide variant.
Coding change: c.3340G>A on transcript NM_052947.4 (MANE Select); coding-DNA position 3340, G replaced by A.
Protein change: p.Val1114Met; replaces valine 1114 with methionine.
Molecular consequence: missense variant.
Genome position (GRCh38, 1-based): chr18:58,536,847, C>T on the plus strand (G>A on the coding strand, the complement: ALPK2 is on the minus strand). VCF-style: chr18-58536847-C-T. GRCh37 (hg19) VCF-style: chr18-56204079-C-T.
Other names: short protein forms V1114M.
Identifiers: ClinVar variation 1730418 (VCV001730418.2), dbSNP rs1232400212, ClinGen allele CA402568591.

ClinVar aggregate classification (germline): Uncertain significance (1 of 4 stars; one submission).

Allele frequency attached by ClinVar (database versions not stated): TOPMed below 0.00001; gnomAD 0.00001; gnomAD exomes 0.00001.
gnomAD v4.1: 19 of 1,614,064 alleles (0.0012%); highest among the groups gnomAD compares: Non-Finnish European, 0.0014%; no homozygotes.

Submission:

Ambry Genetics
Classification: Uncertain significance. Last evaluated: 2021-06-20. Review status: criteria provided, single submitter. Criteria: Ambry Variant Classification Scheme 2023. Collection method: clinical testing. Allele origin: germline.
Comment: The p.V1114M variant (also known as c.3340G>A), located in coding exon 4 of the ALPK2 gene, results from a G to A substitution at nucleotide position 3340. The valine at codon 1114 is replaced by methionine, an amino acid with highly similar properties. This amino acid position is conserved. In addition, this alteration is predicted to be tolerated by in silico analysis. Since supporting evidence is limited at this time, the clinical significance of this alteration remains unclear.